The following is an entry in ClinVar:

NM_000179.3(MSH6):c.-25C>T

Gene: MSH6 (mutS homolog 6; plus strand). Cytogenetic location: 2p16.3.
Variant type: single nucleotide variant.
Coding change: c.-25C>T on transcript NM_000179.3 (MANE Select); 25 bases upstream of the start codon, C replaced by T.
Molecular consequence: 5 prime UTR variant.
Genome position (GRCh38, 1-based): chr2:47,783,209, C>T. VCF-style: chr2-47783209-C-T. GRCh37 (hg19) VCF-style: chr2-48010348-C-T.
Other names: c.-25C>T (NM_001281492.2); c.-761C>T (NM_001281493.2).
Identifiers: ClinVar variation 419137 (VCV000419137.3), dbSNP rs1064793670, ClinGen allele CA16617613.

ClinVar aggregate classification (germline): Uncertain significance (1 of 4 stars; one submission).

Allele frequency attached by ClinVar (database versions not stated): gnomAD 0.00003 and 0.00004; gnomAD exomes below 0.00001; TOPMed 0.00002.
gnomAD v4.1: 7 of 1,610,404 alleles (0.00043%); highest among the groups gnomAD compares: Admixed American, 0.0084%; no homozygotes.

Submissions (2):

GeneDx
Classification: Uncertain significance. Last evaluated: 2018-02-27. Review status: criteria provided, single submitter. Criteria: GeneDx Variant Classification (06012015). Collection method: clinical testing. Allele origin: germline. Affected: yes.
Comment: This variant is denoted MSH6 c.-25C>T, and describes a nucleotide substitution 25 base pairs upstream of the MSH6 ATG translational start site in the 5' untranslated region (UTR). The surrounding sequence, with the base that is substituted in brackets, is AGAA[C/T]GGTT. The nucleotide substition creates a new ATG start codon, upstream of natural ATG, which is not in frame with the coding sequence. This variant has not, to our knowledge, been published in the literature as pathogenic or benign. MSH6 c.-25C>T was not observed in approximately 6,500 individuals of European and African American ancestry in the NHLBI Exome Sequencing Project, indicating it is not a common benign variant in these populations. The nucleotide postion is conserved among mammals; however, the C>T change is observed in one mammalian species. Since we cannot determine to what extent the new start codon may be utilized, if at all, we consider MSH6 c.-25C>T to be a variant of uncertain significance.

Seelig Lab, University of Washington
No classification provided (evidence only). Review status: no classification provided. Collection method: in vitro. Allele origin: not applicable. Functional consequence: effect on translation. Not counted in ClinVar's aggregate classification.
ClinVar note: "not provided" was previously submitted as the classification for the variant. However, the classification appeared to be based only on an observation of functional data so it was converted to no classification on 2025-07-30.